The following is an entry in ClinVar:

ClinVar aggregate classification (germline): Uncertain significance (1 of 4 stars; one submission).

gnomAD v4.1: 2 of 1,614,190 alleles (0.00012%); highest among the groups gnomAD compares: African/African-American, 0.0013%; no homozygotes.

Submission:

Labcorp Genetics (formerly Invitae), Labcorp
Classification: Uncertain significance. Last evaluated: 2022-03-11. Review status: criteria provided, single submitter. Criteria: Invitae Variant Classification Sherloc (09022015). Collection method: clinical testing. Allele origin: germline.
Comment: In summary, the available evidence is currently insufficient to determine the role of this variant in disease. Therefore, it has been classified as a Variant of Uncertain Significance. Algorithms developed to predict the effect of missense changes on protein structure and function are either unavailable or do not agree on the potential impact of this missense change (SIFT: "Not Available"; PolyPhen-2: "Possibly Damaging"; Align-GVGD: "Not Available"). This variant has not been reported in the literature in individuals affected with ADAMTS18-related conditions. This variant is present in population databases (rs368466663, gnomAD 0.007%). This sequence change replaces glycine, which is neutral and non-polar, with alanine, which is neutral and non-polar, at codon 1071 of the ADAMTS18 protein (p.Gly1071Ala).

NM_199355.4(ADAMTS18):c.3212G>C (p.Gly1071Ala)

Gene: ADAMTS18 (ADAM metallopeptidase with thrombospondin type 1 motif 18; minus strand). Cytogenetic location: 16q23.1.
Variant type: single nucleotide variant.
Coding change: c.3212G>C on transcript NM_199355.4 (MANE Select); coding-DNA position 3212, G replaced by C.
Protein change: p.Gly1071Ala; replaces glycine 1071 with alanine.
Molecular consequence: missense variant.
Genome position (GRCh38, 1-based): chr16:77,291,456, C>G on the plus strand (G>C on the coding strand, the complement: ADAMTS18 is on the minus strand). VCF-style: chr16-77291456-C-G. GRCh37 (hg19) VCF-style: chr16-77325353-C-G.
Other names: c.2696G>C, p.Gly899Ala (NM_001326358.2); short protein forms G1071A, G899A.
Identifiers: ClinVar variation 2093197 (VCV002093197.4), dbSNP rs368466663, ClinGen allele CA8180540.
Genomic context (GRCh38, chr16:77,291,456, plus strand): 5'-AAAGTTATCAGCTTTCCCTGGAAGCCCTTCTCGCTGCACTTCATCTCCCTCTTCCTCACA[C>G]CCAAACCACAGGTTGCAGAACACTAGGAGCCAAGACAGGATGTGTAAAAGTGAAGACTGC-3'
Protein context (NP_955387.1, residues 1061-1081): WSECSATCGL[Gly1071Ala]VRKREMKCSE